The following is an entry in ClinVar:

NM_021930.6(RINT1):c.883T>A (p.Ser295Thr)

Gene: RINT1 (RAD50 interactor 1; plus strand). Cytogenetic location: 7q22.3.
Variant type: single nucleotide variant.
Coding change: c.883T>A on transcript NM_021930.6 (MANE Select); coding-DNA position 883, T replaced by A.
Protein change: p.Ser295Thr; replaces serine 295 with threonine.
Molecular consequence: missense variant. On other transcripts: 5 prime UTR variant (2), non-coding transcript variant (1), intron variant (1).
Genome position (GRCh38, 1-based): chr7:105,548,597, T>A. VCF-style: chr7-105548597-T-A. GRCh37 (hg19) VCF-style: chr7-105189044-T-A.
Other names: c.649T>A, p.Ser217Thr (NM_001346599.2); c.-137T>A (NM_001346600.2); c.-42T>A (NM_001346601.2); c.-27-1458T>A (NM_001346603.2); short protein forms S217T, S295T.
Identifiers: ClinVar variation 945608 (VCV000945608.9), dbSNP rs1356970011, ClinGen allele CA368807911.

ClinVar aggregate classification (germline): Uncertain significance (1 of 4 stars; one submission).

Submission:

Labcorp Genetics (formerly Invitae), Labcorp
Classification: Uncertain significance. Last evaluated: 2019-08-02. Review status: criteria provided, single submitter. Criteria: Invitae Variant Classification Sherloc (09022015). Collection method: clinical testing. Allele origin: germline.
Comment: Algorithms developed to predict the effect of missense changes on protein structure and function (SIFT, PolyPhen-2, Align-GVGD) all suggest that this variant is likely to be tolerated, but these predictions have not been confirmed by published functional studies and their clinical significance is uncertain. This sequence change replaces serine with threonine at codon 295 of the RINT1 protein (p.Ser295Thr). The serine residue is weakly conserved and there is a small physicochemical difference between serine and threonine. This variant is not present in population databases (ExAC no frequency). This variant has not been reported in the literature in individuals with RINT1-related conditions. In summary, the available evidence is currently insufficient to determine the role of this variant in disease. Therefore, it has been classified as a Variant of Uncertain Significance.